The following is an entry in ClinVar:

NM_000142.5(FGFR3):c.1186_1257del (p.Cys396_Leu419del)

Gene: FGFR3 (fibroblast growth factor receptor 3; plus strand). Cytogenetic location: 4p16.3.
Variant type: Deletion.
Coding change: c.1186_1257del on transcript NM_000142.5 (MANE Select); coding-DNA positions 1186 to 1257, 72 bases deleted.
Protein change: p.Cys396_Leu419del.
Molecular consequence: inframe deletion. On other transcripts: non-coding transcript variant (1), intron variant (1).
Genome position (GRCh38, 1-based): chr4:1,804,440-1,804,511, 72 bases deleted. GRCh37 (hg19): chr4:1,806,167-1,806,238.
Other names: c.1192_1263del, p.Cys398_Leu421del (NM_001163213.2); c.1186_1257del, p.Cys396_Leu419del (NM_001354809.2, NM_001354810.2); c.931-384_931-313del (NM_022965.4).
Identifiers: ClinVar variation 1965611 (VCV001965611.5), dbSNP rs2546822082, ClinGen allele CA2580070685.

ClinVar aggregate classification (germline): Uncertain significance (1 of 4 stars; one submission).

Submission:

Labcorp Genetics (formerly Invitae), Labcorp
Classification: Uncertain significance. Last evaluated: 2022-08-21. Review status: criteria provided, single submitter. Criteria: Invitae Variant Classification Sherloc (09022015). Collection method: clinical testing. Allele origin: germline.
Comment: In summary, the available evidence is currently insufficient to determine the role of this variant in disease. Therefore, it has been classified as a Variant of Uncertain Significance. Experimental studies and prediction algorithms are not available or were not evaluated, and the functional significance of this variant is currently unknown. This variant has not been reported in the literature in individuals affected with FGFR3-related conditions. This variant is not present in population databases (gnomAD no frequency). This variant, c.1186_1257del, results in the deletion of 24 amino acid(s) of the FGFR3 protein (p.Cys396_Leu419del), but otherwise preserves the integrity of the reading frame.